The following is an entry in ClinVar:

NM_001040151.2(SCN3B):c.60T>G (p.Ser20Arg)

Gene: SCN3B (sodium voltage-gated channel beta subunit 3; minus strand). Cytogenetic location: 11q24.1.
Variant type: single nucleotide variant.
Coding change: c.60T>G on transcript NM_001040151.2 (MANE Select); coding-DNA position 60, T replaced by G.
Protein change: p.Ser20Arg; replaces serine 20 with arginine.
Molecular consequence: missense variant.
Genome position (GRCh38, 1-based): chr11:123,645,746, A>C on the plus strand (T>G on the coding strand, the complement: SCN3B is on the minus strand). VCF-style: chr11-123645746-A-C. GRCh37 (hg19) VCF-style: chr11-123516454-A-C.
Other names: c.60T>G, p.Ser20Arg (NM_018400.4); short protein forms S20R.
Identifiers: ClinVar variation 222799 (VCV000222799.11), dbSNP rs771342044, ClinGen allele CA354894.
Genomic context (GRCh38, chr11:123,645,746, plus strand): 5'-GGGGTTGCCCTGCACGGCCTCCGTCTCCGAGGGCACTTCCACACACACAGGGAAGCAGAC[A>C]CTGACTGCAGAGAGGACAGATGGACAGGGAAGGAACAGCAGGTGGTGGGGGAGGGGCACA-3'
Protein context (NP_001035241.1, residues 10-30): LASLVLIYWV[Ser20Arg]VCFPVCVEVP

ClinVar aggregate classification (germline): Conflicting classifications of pathogenicity. Review status: criteria provided, conflicting classifications (1 of 4 stars). 2 submissions from 2 submitters: Uncertain significance (1); Likely benign (1). Last evaluated 2024-02-05.

Allele frequency attached by ClinVar (database versions not stated): TOPMed 0.00001; ExAC 0.00003; gnomAD 0.00003; gnomAD exomes 0.00005.
gnomAD v4.1: 32 of 1,613,948 alleles (0.002%); no homozygotes.

Submissions (2):

Blueprint Genetics
Classification: Likely benign. Last evaluated: 2024-02-05. Review status: criteria provided, single submitter. Criteria: ACMG Guidelines, 2015. Collection method: clinical testing. Allele origin: germline.

ARUP Laboratories, Molecular Genetics and Genomics, ARUP Laboratories
Classification: Uncertain significance. Last evaluated: 2019-05-21. Review status: criteria provided, single submitter. Criteria: ARUP Molecular Germline Variant Investigation Process. Collection method: clinical testing. Allele origin: germline.
Comment: The SCN3B c.60T>G; p.Ser20Arg variant, to our knowledge, is not reported in the medical literature but is reported in ClinVar (Variation ID: 222799). This variant is found in the general population with an allele frequency of 0.0057% (16/282,314 alleles) in the Genome Aggregation Database. The serine at codon 20 is weakly conserved and computational analyses (SIFT, PolyPhen-2) predict that this variant is tolerated. Due to limited information, the clinical significance of this variant is uncertain at this time.